The following is an entry in ClinVar:

ClinVar aggregate classification (germline): Uncertain significance. Review status: criteria provided, multiple submitters, no conflicts (2 of 4 stars). 2 submissions from 2 submitters: Uncertain significance (2). Last evaluated 2025-01-30.

Conditions:
Hereditary cancer-predisposing syndrome. Also called: Neoplastic Syndromes, Hereditary; Hereditary neoplastic syndrome; Tumor predisposition; Hereditary Cancer Syndrome. Identifiers: Orphanet 140162, MedGen C0027672, MeSH D009386, MONDO:0015356.

Submissions (2):

Ambry Genetics
Classification: Uncertain significance for Hereditary cancer-predisposing syndrome. Last evaluated: 2025-01-30. Review status: criteria provided, single submitter. Criteria: Ambry Variant Classification Scheme 2023. Collection method: clinical testing. Allele origin: germline.
Comment: The p.G635R variant (also known as c.1903G>A), located in coding exon 14 of the APC gene, results from a G to A substitution at nucleotide position 1903. The glycine at codon 635 is replaced by arginine, an amino acid with dissimilar properties. This amino acid position is highly conserved in available vertebrate species. In addition, in silico predictors for this gene do not accurately predict pathogenicity. Missense alterations in APC are not a common cause of disease (Spier I et al. Genet Med. 2024 Feb;26(2):100992). Based on the available evidence, the clinical significance of this variant remains unclear.

Quest Diagnostics Nichols Institute San Juan Capistrano
Classification: Uncertain significance. Last evaluated: 2022-11-11. Review status: criteria provided, single submitter. Criteria: Quest Diagnostics criteria. Collection method: clinical testing. Allele origin: unknown.
Comment: to the best of our knowledge, the variant has not been reported in the published literature. It also has not been reported in large, multi-ethnic general populations. Analysis of this variant using bioinformatics tools for the prediction of the effect of amino acid changes on protein structure and function yielded predictions that this variant is damaging. Based on the available information, we are unable to determine the clinical significance of this variant.

NM_000038.6(APC):c.1903G>A (p.Gly635Arg)

Gene: APC (APC regulator of Wnt signaling pathway; plus strand). Cytogenetic location: 5q22.2.
Variant type: single nucleotide variant.
Coding change: c.1903G>A on transcript NM_000038.6 (MANE Select); coding-DNA position 1903, G replaced by A.
Protein change: p.Gly635Arg; replaces glycine 635 with arginine.
Molecular consequence: missense variant. On other transcripts: non-coding transcript variant (2).
Genome position (GRCh38, 1-based): chr5:112,835,110, G>A. VCF-style: chr5-112835110-G-A. GRCh37 (hg19) VCF-style: chr5-112170807-G-A.
Other names: c.1903G>A, p.Gly635Arg (NM_001127510.3, NM_001354895.2, NM_001407450.1); c.1849G>A, p.Gly617Arg (NM_001127511.3); c.1957G>A, p.Gly653Arg (NM_001354896.2, NM_001407447.1, NM_001407448.1 and 1 more transcripts); c.1933G>A, p.Gly645Arg (NM_001354897.2); c.1828G>A, p.Gly610Arg (NM_001354898.2); c.1819G>A, p.Gly607Arg (NM_001354899.2); c.1780G>A, p.Gly594Arg (NM_001354900.2); c.1726G>A, p.Gly576Arg (NM_001354901.2, NM_001407453.1); and 11 more; short protein forms G251R, G352R, G475R, G506R, G509R, G534R, G544R, G552R.
Identifiers: ClinVar variation 2681902 (VCV002681902.2), dbSNP rs1554083205, ClinGen allele CA16025480.